The following is an entry in ClinVar:

ClinVar aggregate classification (germline): Likely benign. Review status: criteria provided, multiple submitters, no conflicts (2 of 4 stars). 2 submissions from 2 submitters: Likely benign (2). Last evaluated 2025-05-05.

Conditions:
Dilated cardiomyopathy 1G (CMD1G). Identifiers: Orphanet 154, MedGen C1858763, MONDO:0011400, OMIM 604145.
Autosomal recessive limb-girdle muscular dystrophy type 2J (LGMDR10). Also called: MUSCULAR DYSTROPHY, LIMB-GIRDLE, AUTOSOMAL RECESSIVE 10; Limb-girdle muscular dystrophy, type 2J. Identifiers: Orphanet 140922, MedGen C1837342, MONDO:0012127, OMIM 608807.

Submissions (2):

Labcorp Genetics (formerly Invitae), Labcorp
Classification: Likely benign for Dilated cardiomyopathy 1G; Autosomal recessive limb-girdle muscular dystrophy type 2J. Last evaluated: 2025-05-05. Review status: criteria provided, single submitter. Criteria: Invitae Variant Classification Sherloc (09022015). Collection method: clinical testing. Allele origin: germline.

GeneDx
Classification: Likely benign. Last evaluated: 2016-10-06. Review status: criteria provided, single submitter. Criteria: GeneDx Variant Classification (06012015). Collection method: clinical testing. Allele origin: germline. Affected: yes.
Comment: This variant is considered likely benign or benign based on one or more of the following criteria: it is a conservative change, it occurs at a poorly conserved position in the protein, it is predicted to be benign by multiple in silico algorithms, and/or has population frequency not consistent with disease.

NM_001267550.2(TTN):c.75075T>C (p.Leu25025=)

Genes: TTN-AS1 (TTN antisense RNA 1; plus strand), TTN (titin; minus strand). Cytogenetic location: 2q31.2.
Variant type: single nucleotide variant.
Coding change: c.75075T>C on transcript NM_001267550.2 (MANE Select); coding-DNA position 75075, T replaced by C.
Protein change: p.Leu25025=; no amino-acid change (leucine 25025 retained).
Molecular consequence: synonymous variant.
Genome position (GRCh38, 1-based): chr2:178,571,057, A>G on the plus strand (T>C on the coding strand, the complement: TTN is on the minus strand). VCF-style: chr2-178571057-A-G. GRCh37 (hg19) VCF-style: chr2-179435784-A-G.
Other names: c.70152T>C, p.Leu23384= (NM_001256850.1); c.47880T>C, p.Leu15960= (NM_003319.4); c.67371T>C, p.Leu22457= (NM_133378.4); c.48255T>C, p.Leu16085= (NM_133432.3); c.48456T>C, p.Leu16152= (NM_133437.4).
Identifiers: ClinVar variation 389756 (VCV000389756.9), dbSNP rs1057523530, ClinGen allele CA16604122.